The following is an entry in ClinVar:

NM_020745.4(AARS2):c.1756G>A (p.Val586Met)

Gene: AARS2 (alanyl-tRNA synthetase 2, mitochondrial; minus strand). Cytogenetic location: 6p21.1.
Variant type: single nucleotide variant.
Coding change: c.1756G>A on transcript NM_020745.4 (MANE Select); coding-DNA position 1756, G replaced by A.
Protein change: p.Val586Met; replaces valine 586 with methionine.
Molecular consequence: missense variant.
Genome position (GRCh38, 1-based): chr6:44,304,530, C>T on the plus strand (G>A on the coding strand, the complement: AARS2 is on the minus strand). VCF-style: chr6-44304530-C-T. GRCh37 (hg19) VCF-style: chr6-44272267-C-T.
Other names: short protein forms V586M.
Identifiers: ClinVar variation 379680 (VCV000379680.6), dbSNP rs201873561, ClinGen allele CA3834211.

ClinVar aggregate classification (germline): Uncertain significance. Review status: criteria provided, multiple submitters, no conflicts (2 of 4 stars). 3 submissions from 3 submitters: Uncertain significance (3). Last evaluated 2026-08-24.

Conditions:
Inborn genetic diseases. Identifiers: MedGen C0950123, MeSH D030342.

Allele frequency attached by ClinVar (database versions not stated): ESP Exome Variant Server 0.00008; gnomAD 0.00015 and 0.00016; TOPMed 0.00018; 1000 Genomes Project 30x 0.00031; ExAC 0.00006; gnomAD exomes 0.00006; 1000 Genomes Project 0.00040.

Submissions (3):

GeneDx
Classification: Uncertain significance. Last evaluated: 2026-08-24. Review status: criteria provided, single submitter. Criteria: GeneDx Variant Classification Process June 2021. Collection method: clinical testing. Allele origin: germline.
Comment: In silico analysis suggests that this missense variant does not alter protein structure/function; Has not been previously published as pathogenic or benign to our knowledge

Ambry Genetics
Classification: Uncertain significance for Inborn genetic diseases. Last evaluated: 2025-09-10. Review status: criteria provided, single submitter. Criteria: Ambry Variant Classification Scheme 2023. Collection method: clinical testing. Allele origin: germline.

Women's Health and Genetics/Laboratory Corporation of America, LabCorp
Classification: Uncertain significance. Last evaluated: 2025-03-12. Review status: criteria provided, single submitter. Criteria: LabCorp Variant Classification Summary - May 2015. Collection method: clinical testing. Allele origin: germline.
Comment: Variant summary: AARS2 c.1756G>A (p.Val586Met) results in a conservative amino acid change in the encoded protein sequence. Four of four in-silico tools predict a benign effect of the variant on protein function. The variant allele was found at a frequency of 6.4e-05 in 250810 control chromosomes. This frequency is not significantly higher than estimated for a pathogenic variant in AARS2 causing AARS2-Related Disorders, allowing no conclusion about variant significance. To our knowledge, no occurrence of c.1756G>A in individuals affected with AARS2-Related Disorders and no experimental evidence demonstrating its impact on protein function have been reported. ClinVar contains an entry for this variant (Variation ID: 379680). Based on the evidence outlined above, the variant was classified as uncertain significance.